The following is an entry in ClinVar:

ClinVar aggregate classification (germline): Likely pathogenic (1 of 4 stars; one submission).

Conditions:
Severe combined immunodeficiency due to DCLRE1C deficiency (RS-SCID). Also called: SCID, AUTOSOMAL RECESSIVE, T CELL-NEGATIVE, B CELL-NEGATIVE, NK CELL-POSITIVE, WITH SENSITIVITY TO IONIZING RADIATION. Identifiers: Orphanet 275, MedGen C1865371, MONDO:0011225, OMIM 602450.
Histiocytic medullary reticulosis. Also called: Omenn syndrome; SEVERE COMBINED IMMUNODEFICIENCY WITH HYPEREOSINOPHILIA. Identifiers: Orphanet 39041, MedGen C2700553, MONDO:0011338, OMIM 603554.

Submission:

First Genomix Gene Laboratory, Genetic Diagnostics Department
Classification: Likely pathogenic for Histiocytic medullary reticulosis; Severe combined immunodeficiency due to DCLRE1C deficiency. Last evaluated: 2025-09-17. Review status: criteria provided, single submitter. Criteria: ACMG Guidelines, 2015. Collection method: clinical testing. Allele origin: germline. Inheritance: Autosomal recessive inheritance. Affected: no. Observed: 1 variant allele.

NM_001033855.3(DCLRE1C):c.1383dup (p.Glu462fs)

Gene: DCLRE1C (DNA cross-link repair 1C; minus strand). Cytogenetic location: 10p13.
Variant type: Duplication.
Coding change: c.1383dup on transcript NM_001033855.3 (MANE Select); coding-DNA position 1383, one base duplicated (A; older notation c.1383dupA).
Protein change: p.Glu462fs; shifts the reading frame from glutamic acid 462.
Molecular consequence: frameshift variant. On other transcripts: non-coding transcript variant (4).
Genome position (GRCh38, 1-based): chr10:14,909,104, T duplicated on the plus strand (A on the coding strand, the reverse complement: DCLRE1C is on the minus strand); the first of 2 consecutive T bases (chr10:14,909,104-14,909,105); duplicating either gives the same sequence. VCF-style (leftmost placement, unchanged base first): chr10-14909103-C-CT. GRCh37 (hg19) VCF-style: chr10-14951102-C-CT.
Other names: c.1023dup, p.Glu342fs (NM_001033857.3, NM_001033858.3, NM_001289077.2 and 2 more transcripts); c.1038dup, p.Glu347fs (NM_001289076.2, NM_001289078.2, NM_001350966.2 and 1 more transcripts); c.1383dup, p.Glu462fs (NM_001350965.2); short protein forms E342fs, E347fs, E462fs.
Identifiers: ClinVar variation 4850358 (VCV004850358.1).